The following is an entry in ClinVar:

NM_001040142.2(SCN2A):c.1280C>T (p.Ala427Val)

Gene: SCN2A (sodium voltage-gated channel alpha subunit 2; plus strand). Cytogenetic location: 2q24.3.
Variant type: single nucleotide variant.
Coding change: c.1280C>T on transcript NM_001040142.2 (MANE Select); coding-DNA position 1280, C replaced by T.
Protein change: p.Ala427Val; replaces alanine 427 with valine.
Molecular consequence: missense variant.
Genome position (GRCh38, 1-based): chr2:165,314,005, C>T. VCF-style: chr2-165314005-C-T. GRCh37 (hg19) VCF-style: chr2-166170515-C-T.
Other names: c.1280C>T, p.Ala427Val (NM_001040143.2, NM_001371246.1, NM_001371247.1 and 1 more transcripts); short protein forms A427V.
Identifiers: ClinVar variation 2953033 (VCV002953033.3), dbSNP rs587780448, ClinGen allele CA349022276.
Genomic context (GRCh38, chr2:165,314,005, plus strand): 5'-TGGTCATTTTCTTGGGCTCATTCTATCTAATAAATTTGATCTTGGCTGTGGTGGCCATGG[C>T]CTATGAGGAACAGAATCAGGCCACATTGGAAGAGGCTGAACAGAAGGAAGCTGAATTTCA-3'
Protein context (NP_001035232.1, residues 417-437): INLILAVVAM[Ala427Val]YEEQNQATLE

ClinVar aggregate classification (germline): Uncertain significance (1 of 4 stars; one submission).

Conditions:
Seizures, benign familial infantile, 3 (BFIS3). Also called: Familial neonatal seizures; CONVULSIONS, BENIGN FAMILIAL INFANTILE, 3. Identifiers: Orphanet 140927, Orphanet 306, MedGen C1843140, MONDO:0011904, OMIM 607745.
Developmental and epileptic encephalopathy, 11 (DEE11). Also called: Early infantile epileptic encephalopathy 11. Identifiers: Orphanet 1934, MedGen C3150987, MONDO:0013388, OMIM 613721.

Submission:

Labcorp Genetics (formerly Invitae), Labcorp
Classification: Uncertain significance for Seizures, benign familial infantile, 3; Developmental and epileptic encephalopathy, 11. Last evaluated: 2023-10-18. Review status: criteria provided, single submitter. Criteria: Invitae Variant Classification Sherloc (09022015). Collection method: clinical testing. Allele origin: germline.
Comment: This sequence change replaces alanine, which is neutral and non-polar, with valine, which is neutral and non-polar, at codon 427 of the SCN2A protein (p.Ala427Val). This variant is not present in population databases (gnomAD no frequency). This variant has not been reported in the literature in individuals affected with SCN2A-related conditions. Advanced modeling of protein sequence and biophysical properties (such as structural, functional, and spatial information, amino acid conservation, physicochemical variation, residue mobility, and thermodynamic stability) performed at Invitae indicates that this missense variant is expected to disrupt SCN2A protein function. In summary, the available evidence is currently insufficient to determine the role of this variant in disease. Therefore, it has been classified as a Variant of Uncertain Significance.